The following is an entry in ClinVar:

NM_004646.4(NPHS1):c.*706A>G

Gene: NPHS1 (NPHS1 adhesion molecule, nephrin; minus strand). Cytogenetic location: 19q13.12.
Variant type: single nucleotide variant.
Coding change: c.*706A>G on transcript NM_004646.4 (MANE Select); 706 bases downstream of the stop codon, A replaced by G.
Molecular consequence: 3 prime UTR variant.
Genome position (GRCh38, 1-based): chr19:35,825,808, T>C on the plus strand (A>G on the coding strand, the complement: NPHS1 is on the minus strand). VCF-style: chr19-35825808-T-C. GRCh37 (hg19) VCF-style: chr19-36316710-T-C.
Identifiers: ClinVar variation 328846 (VCV000328846.5), dbSNP rs80296922, ClinGen allele CA10648544.

ClinVar aggregate classification (germline): Likely benign (1 of 4 stars; one submission).

Conditions:
Congenital nephrotic syndrome. Also called: Familial nephrotic syndrome. Identifiers: MedGen C3501848, MeSH C535761, MONDO:0002350, HP:0008677.

Allele frequency attached by ClinVar (database versions not stated): 1000 Genomes Project 30x 0.01421; gnomAD 0.03134 and 0.03019; 1000 Genomes Project 0.01617; TOPMed 0.02583.
gnomAD v4.1: 4,636 of 152,270 alleles (3%); highest among the groups gnomAD compares: Non-Finnish European, 4.3%; 90 homozygotes.

Submission:

Illumina Laboratory Services, Illumina
Classification: Likely benign for Congenital nephrotic syndrome. Last evaluated: 2018-01-12. Review status: criteria provided, single submitter. Criteria: ICSL Variant Classification Criteria 13 December 2019. Collection method: clinical testing. Allele origin: germline.
Comment: This variant was observed in the ICSL laboratory as part of a predisposition screen in an ostensibly healthy population. It had not been previously curated by ICSL or reported in the Human Gene Mutation Database (HGMD: prior to June 1st, 2018), and was therefore a candidate for classification through an automated scoring system. Utilizing variant allele frequency, disease prevalence and penetrance estimates, and inheritance mode, an automated score was calculated to assess if this variant is too frequent to cause the disease. Based on the score and internal cut-off values, a variant classified as likely benign is not then subjected to further curation. The score for this variant resulted in a classification of likely benign for this disease.